The following is an entry in ClinVar:

NM_004369.4(COL6A3):c.1795T>C (p.Ser599Pro)

Gene: COL6A3 (collagen type VI alpha 3 chain; minus strand). Cytogenetic location: 2q37.3.
Variant type: single nucleotide variant.
Coding change: c.1795T>C on transcript NM_004369.4 (MANE Select); coding-DNA position 1795, T replaced by C.
Protein change: p.Ser599Pro; replaces serine 599 with proline.
Molecular consequence: missense variant.
Genome position (GRCh38, 1-based): chr2:237,381,017, A>G on the plus strand (T>C on the coding strand, the complement: COL6A3 is on the minus strand). VCF-style: chr2-237381017-A-G. GRCh37 (hg19) VCF-style: chr2-238289660-A-G.
Other names: c.574T>C, p.Ser192Pro (NM_057164.5, NM_057166.5); c.1177T>C, p.Ser393Pro (NM_057165.5, NM_057167.4); short protein forms S192P, S393P, S599P.
Identifiers: ClinVar variation 1723776 (VCV001723776.3), dbSNP rs759009773, ClinGen allele CA351216792.

ClinVar aggregate classification (germline): Uncertain significance. Review status: criteria provided, single submitter (1 of 4 stars). 2 submissions from 2 submitters: Uncertain significance (1). 1 of the submissions does not count toward it. Last evaluated 2022-05-13.

Conditions:
Ullrich congenital muscular dystrophy 1C (UCMD1C). Identifiers: MedGen C5935583, MONDO:0958236, OMIM 620728.

gnomAD v4.1: 15 of 1,614,164 alleles (0.00093%); highest among the groups gnomAD compares: Non-Finnish European, 0.0013%; no homozygotes.

Submissions (2):

GeneDx
Classification: Uncertain significance. Last evaluated: 2022-05-13. Review status: criteria provided, single submitter. Criteria: GeneDx Variant Classification Process June 2021. Collection method: clinical testing. Allele origin: germline. Affected: yes.
Comment: Not observed at significant frequency in large population cohorts (gnomAD); In silico analysis supports that this missense variant does not alter protein structure/function; Has not been previously published as pathogenic or benign to our knowledge

Hong-Tao Li Lab, Institute of Brain Science and Brain-inspired Research, Shandong First Medical University & Shandong Academy of Medical Sciences China
Classification: Uncertain significance for Ullrich congenital muscular dystrophy 1C. Review status: no assertion criteria provided. Collection method: research. Allele origin: germline. Affected: yes. Observed: 1 variant allele, 1 heterozygote. Not counted in ClinVar's aggregate classification.
Comment: Observed in affected individuals from a Pakistani neurodevelopmental-disorder research cohort of 263 individuals. Classification assigned using the ACMG/AMP framework. Population-frequency evidence: gnomAD AF 3.977e-06.